The following is an entry in ClinVar:

ClinVar aggregate classification (germline): Benign/Likely benign. Review status: criteria provided, multiple submitters, no conflicts (2 of 4 stars). 5 submissions from 5 submitters: Benign (1); Likely benign (3). 1 of the submissions does not count toward it. Last evaluated 2026-01-25.

Conditions:
DYNC1H1-related disorder. Also called: DYNC1H1-related condition; DYNC1H1-related disorders. Identifiers: MedGen CN381529.
Inborn genetic diseases. Identifiers: MedGen C0950123, MeSH D030342.
Charcot-Marie-Tooth disease axonal type 2O. Also called: CHARCOT-MARIE-TOOTH NEUROPATHY, AXONAL, TYPE 2O; CHARCOT-MARIE-TOOTH DISEASE, AXONAL, AUTOSOMAL DOMINANT, TYPE 2O; Charcot-Marie-Tooth Neuropathy Type 2O; Charcot-Marie-Tooth disease, axonal, type 20. Identifiers: Orphanet 284232, MedGen C3280220, MONDO:0013644, OMIM 614228.

Allele frequency attached by ClinVar (database versions not stated): gnomAD exomes 0.00004 and 0.00011; ExAC 0.00012; gnomAD 0.00029 and 0.00037; TOPMed 0.00049; ESP Exome Variant Server 0.00069.
gnomAD v4.1: 106 of 1,614,058 alleles (0.0066%); highest among the groups gnomAD compares: African/African-American, 0.11%; no homozygotes.

Submissions (5):

Labcorp Genetics (formerly Invitae), Labcorp
Classification: Likely benign for Charcot-Marie-Tooth disease axonal type 2O. Last evaluated: 2026-01-25. Review status: criteria provided, single submitter. Criteria: Invitae Variant Classification Sherloc (09022015). Collection method: clinical testing. Allele origin: germline.

GeneDx
Classification: Benign. Last evaluated: 2020-11-06. Review status: criteria provided, single submitter. Criteria: GeneDx Variant Classification Process June 2021. Collection method: clinical testing. Allele origin: germline. Affected: yes.

Genetic Services Laboratory, University of Chicago
Classification: Likely benign. Last evaluated: 2016-11-01. Review status: criteria provided, single submitter. Criteria: ACMG Guidelines, 2015. Collection method: clinical testing. Allele origin: germline. Affected: no.

Ambry Genetics
Classification: Likely benign for Inborn genetic diseases. Last evaluated: 2016-03-21. Review status: criteria provided, single submitter. Criteria: Ambry Variant Classification Scheme 2023. Collection method: clinical testing. Allele origin: germline.

PreventionGenetics, part of Exact Sciences
Classification: Likely benign for DYNC1H1-related condition. Last evaluated: 2022-05-06. Review status: no assertion criteria provided. Collection method: clinical testing. Allele origin: germline. Not counted in ClinVar's aggregate classification.
Comment: This variant is classified as likely benign based on ACMG/AMP sequence variant interpretation guidelines (Richards et al. 2015 PMID: 25741868, with internal and published modifications).

NM_001376.5(DYNC1H1):c.4296C>G (p.Gly1432=)

Gene: DYNC1H1 (dynein cytoplasmic 1 heavy chain 1; plus strand). Cytogenetic location: 14q32.31.
Variant type: single nucleotide variant.
Coding change: c.4296C>G on transcript NM_001376.5 (MANE Select); coding-DNA position 4296, C replaced by G.
Protein change: p.Gly1432=; no amino-acid change (glycine 1432 retained).
Molecular consequence: synonymous variant.
Genome position (GRCh38, 1-based): chr14:102,001,255, C>G. VCF-style: chr14-102001255-C-G. GRCh37 (hg19) VCF-style: chr14-102467592-C-G.
Identifiers: ClinVar variation 388107 (VCV000388107.25), dbSNP rs150374820, ClinGen allele CA7352206.